The following is an entry in ClinVar:

ClinVar aggregate classification (germline): Uncertain significance (1 of 4 stars; one submission).

Conditions:
Hereditary cancer-predisposing syndrome. Also called: Hereditary neoplastic syndrome; Neoplastic Syndromes, Hereditary; Tumor predisposition; Hereditary Cancer Syndrome. Identifiers: Orphanet 140162, MedGen C0027672, MeSH D009386, MONDO:0015356.

Submission:

Ambry Genetics
Classification: Uncertain significance for Hereditary cancer-predisposing syndrome. Last evaluated: 2025-08-27. Review status: criteria provided, single submitter. Criteria: Ambry Variant Classification Scheme 2023. Collection method: clinical testing. Allele origin: germline.
Comment: The p.L68M variant (also known as c.202C>A), located in coding exon 3 of the MUTYH gene, results from a C to A substitution at nucleotide position 202. The leucine at codon 68 is replaced by methionine, an amino acid with highly similar properties. This amino acid position is conserved. In addition, this alteration is predicted to be tolerated by in silico analysis. Based on the available evidence, the clinical significance of this variant remains unclear.

NM_001048174.2(MUTYH):c.118C>A (p.Leu40Met)

Gene: MUTYH (mutY DNA glycosylase; minus strand). Cytogenetic location: 1p34.1.
Variant type: single nucleotide variant.
Coding change: c.118C>A on transcript NM_001048174.2 (MANE Select); coding-DNA position 118, C replaced by A.
Protein change: p.Leu40Met; replaces leucine 40 with methionine.
Molecular consequence: missense variant. On other transcripts: 5 prime UTR variant (1), non-coding transcript variant (5), intron variant (5).
Genome position (GRCh38, 1-based): chr1:45,333,559, G>T on the plus strand (C>A on the coding strand, the complement: MUTYH is on the minus strand). VCF-style: chr1-45333559-G-T. GRCh37 (hg19) VCF-style: chr1-45799231-G-T.
Other names: c.118C>A, p.Leu40Met (NM_001048171.2, NM_001048173.2, NM_001293195.2 and 6 more transcripts); c.121C>A, p.Leu41Met (NM_001048172.2, NM_001407071.1, NM_001407078.1 and 2 more transcripts); c.202C>A, p.Leu68Met (NM_001128425.2); c.163C>A, p.Leu55Met (NM_001293190.2); c.151C>A, p.Leu51Met (NM_001293191.2, NM_001407077.1); c.-154C>A (NM_001350650.2); c.193C>A, p.Leu65Met (NM_001407069.1, NM_012222.3); c.160C>A, p.Leu54Met (NM_001407073.1, NM_001407083.1, NM_001407085.1); and 4 more; short protein forms L40M, L55M, L47M, L54M, L51M, L65M, L12M, L41M.
Identifiers: ClinVar variation 4113494 (VCV004113494.1).
Genomic context (GRCh38, chr1:45,333,559, plus strand): 5'-TGAATAGATGGTATGAGGAGACAGAGGCCTGCAATACCACCTCTTCCGGCTGCCTGGCCA[G>T]GCCTGCTGGGGCCCCAGGACACTCAGCAATCATCCCTGCACAGGCTGTGCATCAGGGTCT-3'
Protein context (NP_001041639.1, residues 30-50): SQAKPSACDG[Leu40Met]ARQPEEVVLQ